The following is an entry in ClinVar:

NM_001366385.1(CARD14):c.480G>A (p.Leu160=)

Gene: CARD14 (caspase recruitment domain family member 14; plus strand). Cytogenetic location: 17q25.3.
Variant type: single nucleotide variant.
Coding change: c.480G>A on transcript NM_001366385.1 (MANE Select); coding-DNA position 480, G replaced by A.
Protein change: p.Leu160=; no amino-acid change (leucine 160 retained).
Molecular consequence: synonymous variant. On other transcripts: non-coding transcript variant (1).
Genome position (GRCh38, 1-based): chr17:80,184,043, G>A. VCF-style: chr17-80184043-G-A. GRCh37 (hg19) VCF-style: chr17-78157842-G-A.
Other names: c.480G>A, p.Leu160= (NM_001257970.1, NM_024110.4).
Identifiers: ClinVar variation 1665078 (VCV001665078.9), dbSNP rs773335030, ClinGen allele CA8816434.

ClinVar aggregate classification (germline): Likely benign. Review status: criteria provided, multiple submitters, no conflicts (2 of 4 stars). 2 submissions from 2 submitters: Likely benign (2). Last evaluated 2024-10-28.

Conditions:
CARD14-related disorder. Also called: CARD14-related condition.
Pityriasis rubra pilaris (PRP). Also called: Pityriasis rubra pilaris--familial type. Identifiers: Orphanet 2897, MedGen C0032027, MONDO:0100017, OMIM 173200, MONDO:0008251.
Psoriasis 2. Identifiers: MedGen C1864497, MONDO:0011269, OMIM 602723.

Allele frequency attached by ClinVar (database versions not stated): gnomAD exomes 0.00001; ExAC 0.00002.

Submissions (2):

PreventionGenetics, part of Exact Sciences
Classification: Likely benign for CARD14-related condition. Last evaluated: 2024-10-28. Review status: criteria provided, single submitter. Criteria: ACMG Guidelines, 2015. Collection method: clinical testing. Allele origin: germline.
Comment: This variant is classified as likely benign based on ACMG/AMP sequence variant interpretation guidelines (Richards et al. 2015 PMID: 25741868, with internal and published modifications).

Labcorp Genetics (formerly Invitae), Labcorp
Classification: Likely benign for Pityriasis rubra pilaris; Psoriasis 2. Last evaluated: 2023-04-11. Review status: criteria provided, single submitter. Criteria: Invitae Variant Classification Sherloc (09022015). Collection method: clinical testing. Allele origin: germline.